The following is an entry in ClinVar:

NM_001540.5(HSPB1):c.119A>T (p.Glu40Val)

Gene: HSPB1 (heat shock protein family B (small) member 1; plus strand). Cytogenetic location: 7q11.23.
Variant type: single nucleotide variant.
Coding change: c.119A>T on transcript NM_001540.5 (MANE Select); coding-DNA position 119, A replaced by T.
Protein change: p.Glu40Val; replaces glutamic acid 40 with valine.
Molecular consequence: missense variant.
Genome position (GRCh38, 1-based): chr7:76,302,831, A>T. VCF-style: chr7-76302831-A-T. GRCh37 (hg19) VCF-style: chr7-75932148-A-T.
Other names: short protein forms E40V.
Identifiers: ClinVar variation 2198218 (VCV002198218.4), dbSNP rs755890327, ClinGen allele CA4306261.

ClinVar aggregate classification (germline): Uncertain significance (1 of 4 stars; one submission).

Conditions:
Charcot-Marie-Tooth disease axonal type 2F (CMT2F). Also called: CHARCOT-MARIE-TOOTH DISEASE, NEURONAL, TYPE 2F; Charcot-Marie-Tooth Neuropathy Type 2F. Identifiers: Orphanet 99940, MedGen C1847823, MONDO:0011687, OMIM 606595.

Allele frequency attached by ClinVar (database versions not stated): gnomAD exomes below 0.00001; ExAC 0.00001; gnomAD 0.00001; TOPMed 0.00003.
gnomAD v4.1: 3 of 1,604,520 alleles (0.00019%); highest among the groups gnomAD compares: African/African-American, 0.004%; no homozygotes.

Submission:

Labcorp Genetics (formerly Invitae), Labcorp
Classification: Uncertain significance for Charcot-Marie-Tooth disease axonal type 2F. Last evaluated: 2023-09-22. Review status: criteria provided, single submitter. Criteria: Invitae Variant Classification Sherloc (09022015). Collection method: clinical testing. Allele origin: germline.
Comment: This sequence change replaces glutamic acid, which is acidic and polar, with valine, which is neutral and non-polar, at codon 40 of the HSPB1 protein (p.Glu40Val). This variant is present in population databases (rs755890327, gnomAD 0.02%). This variant has not been reported in the literature in individuals affected with HSPB1-related conditions. ClinVar contains an entry for this variant (Variation ID: 2198218). Advanced modeling of protein sequence and biophysical properties (such as structural, functional, and spatial information, amino acid conservation, physicochemical variation, residue mobility, and thermodynamic stability) has been performed at Invitae for this missense variant, however the output from this modeling did not meet the statistical confidence thresholds required to predict the impact of this variant on HSPB1 protein function. In summary, the available evidence is currently insufficient to determine the role of this variant in disease. Therefore, it has been classified as a Variant of Uncertain Significance.